The following is an entry in ClinVar:

NM_002234.4(KCNA5):c.1426G>A (p.Val476Ile)

Gene: KCNA5 (potassium voltage-gated channel subfamily A member 5; plus strand). Cytogenetic location: 12p13.32.
Variant type: single nucleotide variant.
Coding change: c.1426G>A on transcript NM_002234.4 (MANE Select); coding-DNA position 1426, G replaced by A.
Protein change: p.Val476Ile; replaces valine 476 with isoleucine.
Molecular consequence: missense variant.
Genome position (GRCh38, 1-based): chr12:5,045,573, G>A. VCF-style: chr12-5045573-G-A. GRCh37 (hg19) VCF-style: chr12-5154739-G-A.
Other names: short protein forms V476I.
Identifiers: ClinVar variation 2971930 (VCV002971930.3), dbSNP rs772762096, ClinGen allele CA383466464.

ClinVar aggregate classification (germline): Uncertain significance (1 of 4 stars; one submission).

Conditions:
Atrial fibrillation, familial, 7 (ATFB7). Identifiers: MedGen C2677106, MONDO:0012828, OMIM 612240.

gnomAD v4.1: 5 of 1,614,208 alleles (0.00031%); highest among the groups gnomAD compares: Admixed American, 0.0083%; no homozygotes.

Submission:

Labcorp Genetics (formerly Invitae), Labcorp
Classification: Uncertain significance for Atrial fibrillation, familial, 7. Last evaluated: 2024-11-05. Review status: criteria provided, single submitter. Criteria: Invitae Variant Classification Sherloc (09022015). Collection method: clinical testing. Allele origin: germline.
Comment: This sequence change replaces valine, which is neutral and non-polar, with isoleucine, which is neutral and non-polar, at codon 476 of the KCNA5 protein (p.Val476Ile). This variant is present in population databases (no rsID available, gnomAD 0.01%). This variant has not been reported in the literature in individuals affected with KCNA5-related conditions. ClinVar contains an entry for this variant (Variation ID: 2971930). Invitae Evidence Modeling of protein sequence and biophysical properties (such as structural, functional, and spatial information, amino acid conservation, physicochemical variation, residue mobility, and thermodynamic stability) indicates that this missense variant is not expected to disrupt KCNA5 protein function with a negative predictive value of 80%. In summary, the available evidence is currently insufficient to determine the role of this variant in disease. Therefore, it has been classified as a Variant of Uncertain Significance.